The following is an entry in ClinVar:

NM_000093.5(COL5A1):c.1388C>T (p.Pro463Leu)

Gene: COL5A1 (collagen type V alpha 1 chain; plus strand). Cytogenetic location: 9q34.3.
Variant type: single nucleotide variant.
Coding change: c.1388C>T on transcript NM_000093.5 (MANE Select); coding-DNA position 1388, C replaced by T.
Protein change: p.Pro463Leu; replaces proline 463 with leucine.
Molecular consequence: missense variant.
Genome position (GRCh38, 1-based): chr9:134,732,126, C>T. VCF-style: chr9-134732126-C-T. GRCh37 (hg19) VCF-style: chr9-137623972-C-T.
Other names: p.P463L:CCG>CTG; c.1388C>T, p.Pro463Leu (NM_001278074.1); short protein forms P463L.
Identifiers: ClinVar variation 213025 (VCV000213025.17), dbSNP rs201375465, ClinGen allele CA324989.
Genomic context (GRCh38, chr9:134,732,126, plus strand): 5'-CCCAGATTGGAGGACCTCGGGGCGAGAAAGGCCAAAAGGGAGAACCAGCGATTATCGAGC[C>T]GGTGAGGACATTTTCTCATTCCCTCCCTGCGCCGGGGTGTCCGCTGCTCGGGGTCACAGC-3'
Protein context (NP_000084.3, residues 453-473): GQKGEPAIIE[Pro463Leu]GMLIEGPPGP

ClinVar aggregate classification (germline): Uncertain significance. Review status: criteria provided, multiple submitters, no conflicts (2 of 4 stars). 5 submissions from 5 submitters: Uncertain significance (5). Last evaluated 2026-04-08.

Conditions:
COL5A1-related disorder. Also called: COL5A1-related condition.
Fibromuscular dysplasia, multifocal. Identifiers: MedGen C5543412, MONDO:0859151, OMIM 619329.
Ehlers-Danlos syndrome, classic type, 1 (EDSCL1). Also called: Ehlers-Danlos syndrome, type 1; Ehlers-Danlos Syndrome, Classic Type, COL5A1-Related; EDS I; EHLERS-DANLOS SYNDROME, GRAVIS TYPE; EHLERS-DANLOS SYNDROME, SEVERE CLASSIC TYPE. Identifiers: MedGen C0268335, MONDO:0019567, OMIM 130000.

Allele frequency attached by ClinVar (database versions not stated): ExAC 0.00006; 1000 Genomes Project 30x 0.00016; 1000 Genomes Project 0.00020; gnomAD 0.00002 and 0.00003; gnomAD exomes 0.00003; TOPMed 0.00004.
gnomAD v4.1: 27 of 1,614,220 alleles (0.0017%); highest among the groups gnomAD compares: East Asian, 0.018%; no homozygotes.

Submissions (5):

Women's Health and Genetics/Laboratory Corporation of America, LabCorp
Classification: Uncertain significance. Last evaluated: 2026-04-08. Review status: criteria provided, single submitter. Criteria: LabCorp Variant Classification Summary - May 2015. Collection method: clinical testing. Allele origin: germline.
Comment: Variant summary: COL5A1 c.1388C>T (p.Pro463Leu) results in a non-conservative amino acid change in the encoded protein sequence. Algorithms developed to predict the effect of missense changes on protein structure and function all suggest that this variant is likely to be disruptive. Consensus agreement among computation tools predict no significant impact on normal splicing. However, these predictions have yet to be confirmed by functional studies. The variant allele was found at a frequency of 3.2e-05 in 251492 control chromosomes. The available data on variant occurrences in the general population are insufficient to allow any conclusion about variant significance. c.1388C>T has been observed in individual(s) affected with aortic dissection or keratoconus (e.g. Chen_2021, Song_2024). These report(s) do not provide unequivocal conclusions about association of the variant with Aortopathy. To our knowledge, no experimental evidence demonstrating an impact on protein function has been reported. The following publications have been ascertained in the context of this evaluation (PMID: 34422331, 38908538). ClinVar contains an entry for this variant (Variation ID: 213025). Based on the evidence outlined above, the variant was classified as uncertain significance.

Labcorp Genetics (formerly Invitae), Labcorp
Classification: Uncertain significance for Ehlers-Danlos syndrome, classic type, 1. Last evaluated: 2026-01-12. Review status: criteria provided, single submitter. Criteria: Invitae Variant Classification Sherloc (09022015). Collection method: clinical testing. Allele origin: germline.
Comment: This sequence change replaces proline, which is neutral and non-polar, with leucine, which is neutral and non-polar, at codon 463 of the COL5A1 protein (p.Pro463Leu). This variant is present in population databases (rs201375465, gnomAD 0.01%). This missense change has been observed in individual(s) with aortic dissection and/or keratoconus (PMID: 34422331, 38908538). ClinVar contains an entry for this variant (Variation ID: 213025). An algorithm developed to predict the effect of missense changes on protein structure and function (PolyPhen-2) suggests that this variant is likely to be disruptive. In summary, the available evidence is currently insufficient to determine the role of this variant in disease. Therefore, it has been classified as a Variant of Uncertain Significance.

PreventionGenetics, part of Exact Sciences
Classification: Uncertain significance for COL5A1-related condition. Last evaluated: 2025-01-11. Review status: criteria provided, single submitter. Criteria: ACMG Guidelines, 2015. Collection method: clinical testing. Allele origin: germline.
Comment: The COL5A1 c.1388C>T variant is predicted to result in the amino acid substitution p.Pro463Leu. This variant has been reported in an individual with sporadic Stanford type A aortic dissection; however, no additional evidence was provided to help assess pathogenicity (Chen et al. 2021. PubMed ID: 34422331). This variant is reported in 0.0098% of alleles in individuals of South Asian descent in gnomAD. At this time, the clinical significance of this variant is uncertain due to the absence of conclusive functional and genetic evidence.

GeneDx
Classification: Uncertain significance. Last evaluated: 2023-11-10. Review status: criteria provided, single submitter. Criteria: GeneDx Variant Classification Process June 2021. Collection method: clinical testing. Allele origin: germline. Affected: yes.
Comment: In silico analysis supports that this missense variant has a deleterious effect on protein structure/function; Not located in the triple helical region, where the majority of pathogenic missense variants occur (PMID: 22696272; HGMD); This variant is associated with the following publications: (PMID: 22696272, 34422331)

Department of Pathology and Laboratory Medicine, Sinai Health System
Classification: Uncertain significance for Fibromuscular dysplasia, multifocal. Last evaluated: 2021-10-18. Review status: criteria provided, single submitter. Criteria: ACMG Guidelines, 2015. Collection method: research. Allele origin: germline.

Literature cited by the submitters: PubMed 34422331 (cited by Women's Health and Genetics/Laboratory Corporation of America, LabCorp and Labcorp Genetics (formerly Invitae), Labcorp); PubMed 38908538 (cited by Women's Health and Genetics/Laboratory Corporation of America, LabCorp and Labcorp Genetics (formerly Invitae), Labcorp).